The following is an entry in ClinVar:

ClinVar aggregate classification (germline): Uncertain significance (1 of 4 stars; one submission).

Conditions:
POLD1-related polyposis and colorectal cancer syndrome (CRCS10). Also called: COLORECTAL CANCER, SUSCEPTIBILITY TO, ON CHROMOSOME 19q; Colorectal cancer 10; Colorectal cancer, susceptibility to, 10. Identifiers: Orphanet 220460, MedGen C2675481, MONDO:0012953, OMIM 612591.

Submission:

Labcorp Genetics (formerly Invitae), Labcorp
Classification: Uncertain significance for POLD1-related polyposis and colorectal cancer syndrome. Last evaluated: 2025-10-07. Review status: criteria provided, single submitter. Criteria: Invitae Variant Classification Sherloc (09022015). Collection method: clinical testing. Allele origin: germline.
Comment: This sequence change replaces alanine, which is neutral and non-polar, with serine, which is neutral and polar, at codon 246 of the POLD1 protein (p.Ala246Ser). This variant is not present in population databases (gnomAD no frequency). This variant has not been reported in the literature in individuals affected with POLD1-related conditions. Invitae Evidence Modeling of protein sequence and biophysical properties (such as structural, functional, and spatial information, amino acid conservation, physicochemical variation, residue mobility, and thermodynamic stability) indicates that this missense variant is not expected to disrupt POLD1 protein function with a negative predictive value of 80%. In summary, the available evidence is currently insufficient to determine the role of this variant in disease. Therefore, it has been classified as a Variant of Uncertain Significance.

NM_002691.4(POLD1):c.736G>T (p.Ala246Ser)

Gene: POLD1 (DNA polymerase delta 1, catalytic subunit; plus strand). Cytogenetic location: 19q13.33.
Variant type: single nucleotide variant.
Coding change: c.736G>T on transcript NM_002691.4 (MANE Select); coding-DNA position 736, G replaced by T.
Protein change: p.Ala246Ser; replaces alanine 246 with serine.
Molecular consequence: missense variant. On other transcripts: non-coding transcript variant (1).
Genome position (GRCh38, 1-based): chr19:50,402,351, G>T. VCF-style: chr19-50402351-G-T. GRCh37 (hg19) VCF-style: chr19-50905608-G-T.
Other names: c.736G>T, p.Ala246Ser (NM_001256849.1, NM_001308632.1, NM_001438210.1 and 3 more transcripts); short protein forms A246S.
Identifiers: ClinVar variation 4742346 (VCV004742346.1).